The following is an entry in ClinVar:

ClinVar aggregate classification (germline): Conflicting classifications of pathogenicity. Review status: criteria provided, conflicting classifications (1 of 4 stars). 2 submissions from 2 submitters: Uncertain significance (1); Likely benign (1). Last evaluated 2025-08-01.

Allele frequency attached by ClinVar (database versions not stated): gnomAD exomes 0.00001; gnomAD 0.00002.
gnomAD v4.1: 10 of 1,597,290 alleles (0.00063%); highest among the groups gnomAD compares: South Asian, 0.0011%; no homozygotes.

Submissions (2):

CeGaT Center for Human Genetics Tuebingen
Classification: Likely benign. Last evaluated: 2025-08-01. Review status: criteria provided, single submitter. Criteria: CeGaT Center For Human Genetics Tuebingen Variant Classification Criteria Version 2. Collection method: clinical testing. Allele origin: germline. Affected: yes. Observed: 1 variant allele.
Comment: CLTC: BP4

Labcorp Genetics (formerly Invitae), Labcorp
Classification: Uncertain significance. Last evaluated: 2022-03-27. Review status: criteria provided, single submitter. Criteria: Invitae Variant Classification Sherloc (09022015). Collection method: clinical testing. Allele origin: germline.
Comment: In summary, the available evidence is currently insufficient to determine the role of this variant in disease. Therefore, it has been classified as a Variant of Uncertain Significance. Variants that disrupt the consensus splice site are a relatively common cause of aberrant splicing (PMID: 17576681, 9536098). Algorithms developed to predict the effect of sequence changes on RNA splicing suggest that this variant may disrupt the consensus splice site. This variant has been observed in individual(s) with clinical features of CLTC-related conditions (Invitae). This variant is not present in population databases (gnomAD no frequency). This sequence change falls in intron 2 of the CLTC gene. It does not directly change the encoded amino acid sequence of the CLTC protein. It affects a nucleotide within the consensus splice site.

Literature cited by the submitters: PubMed 17576681 (cited by Labcorp Genetics (formerly Invitae), Labcorp); PubMed 9536098 (cited by Labcorp Genetics (formerly Invitae), Labcorp).

NM_004859.4(CLTC):c.250+15G>T

Gene: CLTC (clathrin heavy chain; plus strand). Cytogenetic location: 17q23.1.
Variant type: single nucleotide variant.
Coding change: c.250+15G>T on transcript NM_004859.4 (MANE Select); 15 bases into the intron after coding-DNA position 250, G replaced by T.
Molecular consequence: intron variant.
Genome position (GRCh38, 1-based): chr17:59,644,498, G>T. VCF-style: chr17-59644498-G-T. GRCh37 (hg19) VCF-style: chr17-57721859-G-T.
Other names: c.262+3G>T (NM_001288653.2).
Identifiers: ClinVar variation 2428292 (VCV002428292.14), dbSNP rs1350358889, ClinGen allele CA627144958.
Genomic context (GRCh38, chr17:59,644,498, plus strand): 5'-GACAGCGCCATCATGAATCCAGCTAGCAAAGTAATTGCACTGAAAGGTATAAAAGAATGT[G>T]GGTTTTCCTTAAAACTCTTCCTATGTTTTTGTTTTTTTTTGTTTTTTTTTTGTTTGTTTG-3'